The following is an entry in ClinVar:

ClinVar aggregate classification (germline): Uncertain significance (1 of 4 stars; one submission).

Submission:

GeneDx
Classification: Uncertain significance. Last evaluated: 2024-01-10. Review status: criteria provided, single submitter. Criteria: GeneDx Variant Classification Process June 2021. Collection method: clinical testing. Allele origin: germline. Affected: yes.
Comment: Not observed at significant frequency in large population cohorts (gnomAD); In silico analysis supports that this missense variant has a deleterious effect on protein structure/function; Has not been previously published as pathogenic or benign to our knowledge

NM_000260.4(MYO7A):c.262C>A (p.Arg88Ser)

Gene: MYO7A (myosin VIIA; plus strand). Cytogenetic location: 11q13.5.
Variant type: single nucleotide variant.
Coding change: c.262C>A on transcript NM_000260.4 (MANE Select); coding-DNA position 262, C replaced by A.
Protein change: p.Arg88Ser; replaces arginine 88 with serine.
Molecular consequence: missense variant.
Genome position (GRCh38, 1-based): chr11:77,147,927, C>A. VCF-style: chr11-77147927-C-A. GRCh37 (hg19) VCF-style: chr11-76858973-C-A.
Other names: c.262C>A, p.Arg88Ser (NM_001127180.2); c.229C>A, p.Arg77Ser (NM_001369365.1); short protein forms R77S, R88S.
Identifiers: ClinVar variation 3367692 (VCV003367692.1).